The following is an entry in ClinVar:

ClinVar aggregate classification (germline): Likely benign (0 of 4 stars; one submission).

Conditions:
BBS1-related disorder. Also called: BBS1-related condition.

Submission:

PreventionGenetics, part of Exact Sciences
Classification: Likely benign for BBS1-related condition. Last evaluated: 2022-07-05. Review status: no assertion criteria provided. Collection method: clinical testing. Allele origin: germline.
Comment: This variant is classified as likely benign based on ACMG/AMP sequence variant interpretation guidelines (Richards et al. 2015 PMID: 25741868, with internal and published modifications).

NM_024649.5(BBS1):c.*9C>G

Genes: BBS1 (Bardet-Biedl syndrome 1; plus strand), ZDHHC24 (zDHHC palmitoyltransferase 24; minus strand). Cytogenetic location: 11q13.2.
Variant type: single nucleotide variant.
Coding change: c.*9C>G on transcript NM_024649.5 (MANE Select); 9 bases downstream of the stop codon, C replaced by G.
Molecular consequence: 3 prime UTR variant. On other transcripts: intron variant (1).
Genome position (GRCh38, 1-based): chr11:66,532,046, C>G. VCF-style: chr11-66532046-C-G. GRCh37 (hg19) VCF-style: chr11-66299517-C-G.
Other names: c.560-2558G>C (NM_001348571.2).
Identifiers: ClinVar variation 3353633 (VCV003353633.1).